The following is an entry in ClinVar:

ClinVar aggregate classification (germline): Likely pathogenic (1 of 4 stars; one submission).

Conditions:
Progressive familial intrahepatic cholestasis type 2. Identifiers: Orphanet 79304, MedGen C3489789, MONDO:0011156, OMIM 601847.

Submission:

3billion
Classification: Likely pathogenic for Progressive familial intrahepatic cholestasis type 2. Last evaluated: 2025-07-08. Review status: criteria provided, single submitter. Criteria: ACMG Guidelines, 2015. Collection method: clinical testing. Allele origin: germline. Affected: yes.
Comment: The variant is not observed in the gnomAD v4.1.0 dataset. Predicted Consequence/Location: Frameshift: predicted to result in a loss or disruption of normal protein function through nonsense-mediated decay (NMD) or protein truncation. Multiple pathogenic variants are reported downstream of the variant. Therefore, this variant is classified as Likely pathogenic according to the recommendation of ACMG/AMP guideline.

NM_003742.4(ABCB11):c.3489del (p.Val1164fs)

Gene: ABCB11 (ATP binding cassette subfamily B member 11; minus strand). Cytogenetic location: 2q31.1.
Variant type: Deletion.
Coding change: c.3489del on transcript NM_003742.4 (MANE Select); coding-DNA position 3489, one base deleted (A; older notation c.3489delA).
Protein change: p.Val1164fs; shifts the reading frame from valine 1164.
Molecular consequence: frameshift variant.
Genome position (GRCh38, 1-based): chr2:168,927,285, T deleted on the plus strand (A on the coding strand, the reverse complement: ABCB11 is on the minus strand). VCF-style (leftmost placement, unchanged base first): chr2-168927284-CT-C. GRCh37 (hg19) VCF-style: chr2-169783794-CT-C.
Other names: short protein forms V1164fs.
Identifiers: ClinVar variation 4856157 (VCV004856157.1).